The following is an entry in ClinVar:

ClinVar aggregate classification (germline): Likely pathogenic (1 of 4 stars; one submission).

Conditions:
Cardiomyopathy (CMYO). Also called: Cardiomyopathies. Identifiers: Orphanet 167848, MedGen C0878544, MONDO:0004994, HP:0001638. Inheritance: Various modes of inheritance.

Submission:

Clinical Genetics Laboratory, Skane University Hospital Lund
Classification: Likely pathogenic for Cardiomyopathy. Last evaluated: 2026-04-07. Review status: criteria provided, single submitter. Criteria: ACMG Guidelines, 2015. Collection method: clinical testing. Allele origin: germline. Affected: yes.
Comment: ACMG criteria applied: PVS1, PM2.

NM_001267550.2(TTN):c.72503del (p.Leu24168fs)

Genes: TTN (titin; minus strand), TTN-AS1 (TTN antisense RNA 1; plus strand). Cytogenetic location: 2q31.2.
Variant type: Deletion.
Coding change: c.72503del on transcript NM_001267550.2 (MANE Select); coding-DNA position 72503, one base deleted (T; older notation c.72503delT).
Protein change: p.Leu24168fs; shifts the reading frame from leucine 24168.
Molecular consequence: frameshift variant.
Genome position (GRCh38, 1-based): chr2:178,573,629, A deleted on the plus strand (T on the coding strand, the reverse complement: TTN is on the minus strand); the first of 2 consecutive A bases (chr2:178,573,629-178,573,630); deleting either gives the same sequence. VCF-style (leftmost placement, unchanged base first): chr2-178573628-CA-C. GRCh37 (hg19) VCF-style: chr2-179438355-CA-C.
Other names: c.67580del, p.Leu22527fs (NM_001256850.1); c.45308del, p.Leu15103fs (NM_003319.4); c.64799del, p.Leu21600fs (NM_133378.4); c.45683del, p.Leu15228fs (NM_133432.3); c.45884del, p.Leu15295fs (NM_133437.4); short protein forms L15103fs, L15228fs, L15295fs, L21600fs, L22527fs, L24168fs.
Identifiers: ClinVar variation 4819416 (VCV004819416.1).